The following is an entry in ClinVar:

NM_032119.4(ADGRV1):c.18831A>G (p.Glu6277=)

Gene: ADGRV1 (adhesion G protein-coupled receptor V1; plus strand). Cytogenetic location: 5q14.3.
Variant type: single nucleotide variant.
Coding change: c.18831A>G on transcript NM_032119.4 (MANE Select); coding-DNA position 18831, A replaced by G.
Protein change: p.Glu6277=; no amino-acid change (glutamic acid 6277 retained).
Molecular consequence: synonymous variant. On other transcripts: non-coding transcript variant (1).
Genome position (GRCh38, 1-based): chr5:91,163,810, A>G. VCF-style: chr5-91163810-A-G. GRCh37 (hg19) VCF-style: chr5-90459627-A-G.
Other names: c.18831A>G (NM_032119.3).
Identifiers: ClinVar variation 809778 (VCV000809778.49), dbSNP rs549421635, ClinGen allele CA3342758.

ClinVar aggregate classification (germline): Conflicting classifications of pathogenicity. Review status: criteria provided, conflicting classifications (1 of 4 stars). 4 submissions from 4 submitters: Uncertain significance (1); Likely benign (3). Last evaluated 2026-01-18.

Conditions:
ADGRV1-related disorder. Also called: ADGRV1-related condition; ADGRV1-related disorders.

Allele frequency attached by ClinVar (database versions not stated): TOPMed 0.00003; gnomAD 0.00004 and 0.00008; gnomAD exomes 0.00010 and 0.00023; 1000 Genomes Project 30x 0.00016; 1000 Genomes Project 0.00020; ExAC 0.00041.
gnomAD v4.1: 151 of 1,591,536 alleles (0.0095%); highest among the groups gnomAD compares: South Asian, 0.14%; 2 homozygotes.

Submissions (4):

Labcorp Genetics (formerly Invitae), Labcorp
Classification: Likely benign. Last evaluated: 2026-01-18. Review status: criteria provided, single submitter. Criteria: Invitae Variant Classification Sherloc (09022015). Collection method: clinical testing. Allele origin: germline.

PreventionGenetics, part of Exact Sciences
Classification: Likely benign for ADGRV1-related condition. Last evaluated: 2024-11-26. Review status: criteria provided, single submitter. Criteria: ACMG Guidelines, 2015. Collection method: clinical testing. Allele origin: germline.
Comment: This variant is classified as likely benign based on ACMG/AMP sequence variant interpretation guidelines (Richards et al. 2015 PMID: 25741868, with internal and published modifications).

Blueprint Genetics
Classification: Likely benign. Last evaluated: 2024-06-19. Review status: criteria provided, single submitter. Criteria: ACMG Guidelines, 2015. Collection method: clinical testing. Allele origin: germline.

CeGaT Center for Human Genetics Tuebingen
Classification: Uncertain significance. Last evaluated: 2016-06-01. Review status: criteria provided, single submitter. Criteria: CeGaT Center For Human Genetics Tuebingen Variant Classification Criteria Version 2. Collection method: clinical testing. Allele origin: germline. Affected: yes. Observed: 1 variant allele.